The following is an entry in ClinVar:

NM_016630.7(SPG21):c.367C>T (p.His123Tyr)

Gene: SPG21 (SPG21 abhydrolase domain containing, maspardin; minus strand). Cytogenetic location: 15q22.31.
Variant type: single nucleotide variant.
Coding change: c.367C>T on transcript NM_016630.7 (MANE Select); coding-DNA position 367, C replaced by T.
Protein change: p.His123Tyr; replaces histidine 123 with tyrosine.
Molecular consequence: missense variant.
Genome position (GRCh38, 1-based): chr15:64,974,687, G>A on the plus strand (C>T on the coding strand, the complement: SPG21 is on the minus strand). VCF-style: chr15-64974687-G-A. GRCh37 (hg19) VCF-style: chr15-65267025-G-A.
Other names: c.367C>T, p.His123Tyr (NM_001127889.5); c.286C>T, p.His96Tyr (NM_001127890.5); short protein forms H96Y, H123Y.
Identifiers: ClinVar variation 1416990 (VCV001416990.8), dbSNP rs1344716790, ClinGen allele CA392870108.

ClinVar aggregate classification (germline): Uncertain significance (1 of 4 stars; one submission).

Conditions:
Mast syndrome. Also called: SPASTIC PARAPLEGIA 21, AUTOSOMAL RECESSIVE. Identifiers: Orphanet 101001, MedGen C1855346, MONDO:0009568, OMIM 248900.

Allele frequency attached by ClinVar (database versions not stated): gnomAD exomes 0.00001 and 0.00002; TOPMed 0.00003.
gnomAD v4.1: 5 of 1,614,146 alleles (0.00031%); highest among the groups gnomAD compares: Admixed American, 0.0067%; no homozygotes.

Submission:

Labcorp Genetics (formerly Invitae), Labcorp
Classification: Uncertain significance for Mast syndrome. Last evaluated: 2022-06-13. Review status: criteria provided, single submitter. Criteria: Invitae Variant Classification Sherloc (09022015). Collection method: clinical testing. Allele origin: germline.
Comment: Algorithms developed to predict the effect of missense changes on protein structure and function (SIFT, PolyPhen-2, Align-GVGD) all suggest that this variant is likely to be tolerated. This variant has not been reported in the literature in individuals affected with SPG21-related conditions. This variant is present in population databases (no rsID available, gnomAD 0.01%). In summary, the available evidence is currently insufficient to determine the role of this variant in disease. Therefore, it has been classified as a Variant of Uncertain Significance. This sequence change replaces histidine, which is basic and polar, with tyrosine, which is neutral and polar, at codon 123 of the SPG21 protein (p.His123Tyr).